The following is an entry in ClinVar:

ClinVar aggregate classification (germline): Likely pathogenic (1 of 4 stars; one submission).

Conditions:
Hereditary spherocytosis type 1. Also called: Spherocytosis type 1; ANK1-Related Spherocytosis. Identifiers: Orphanet 822, MedGen C2674218, MONDO:0008447, OMIM 182900.

Submission:

Centre for Mendelian Genomics, University Medical Centre Ljubljana
Classification: Likely pathogenic for Hereditary spherocytosis type 1. Last evaluated: 2019-04-04. Review status: criteria provided, single submitter. Criteria: ACMG Guidelines, 2015. Collection method: clinical testing. Allele origin: unknown. Affected: yes.
Comment: This variant was classified as: Likely pathogenic. The following ACMG criteria were applied in classifying this variant: PVS1,PM2.

NM_000037.4(ANK1):c.4855G>T (p.Glu1619Ter)

Gene: ANK1 (ankyrin 1; minus strand). Cytogenetic location: 8p11.21.
Variant type: single nucleotide variant.
Coding change: c.4855G>T on transcript NM_000037.4 (MANE Select); coding-DNA position 4855, G replaced by T.
Protein change: p.Glu1619Ter; replaces glutamic acid 1619 with a stop codon.
Molecular consequence: nonsense. On other transcripts: intron variant (1).
Genome position (GRCh38, 1-based): chr8:41,672,595, C>A on the plus strand (G>T on the coding strand, the complement: ANK1 is on the minus strand). VCF-style: chr8-41672595-C-A. GRCh37 (hg19) VCF-style: chr8-41530113-C-A.
Other names: c.4978G>T, p.Glu1660Ter (NM_001142446.2); c.4855G>T, p.Glu1619Ter (NM_020475.3, NM_020476.3); c.4538-169G>T (NM_020477.3); short protein forms E1660*, E1619*.
Identifiers: ClinVar variation 931545 (VCV000931545.3), dbSNP rs774067157, ClinGen allele CA371053938.
Genomic context (GRCh38, chr8:41,672,595, plus strand): 5'-CAAGCAAATCGATAAGGCCATTTGTGGCATCTGAATCCACTGTGTCGTCCTCCACAAGTT[C>A]CAGAGAGCCCAACTCGGGGCCCCGCGGTTCCTCTGAGAGTGCCCCCTCCAACTTCCACTC-3'